The following is an entry in ClinVar:

ClinVar aggregate classification (germline): Uncertain significance. Review status: criteria provided, multiple submitters, no conflicts (2 of 4 stars). 2 submissions from 2 submitters: Uncertain significance (2). Last evaluated 2024-05-23.

Conditions:
Inborn genetic diseases. Identifiers: MedGen C0950123, MeSH D030342.
Combined oxidative phosphorylation defect type 17. Also called: Combined oxidative phosphorylation deficiency 17. Identifiers: Orphanet 369913, MedGen C3809526, MONDO:0014190, OMIM 615440.

Allele frequency attached by ClinVar (database versions not stated): gnomAD exomes below 0.00001; gnomAD 0.00001; TOPMed 0.00001.
gnomAD v4.1: 22 of 1,605,570 alleles (0.0014%); highest among the groups gnomAD compares: Non-Finnish European, 0.0017%; no homozygotes.

Submissions (2):

Ambry Genetics
Classification: Uncertain significance for Inborn genetic diseases. Last evaluated: 2024-05-23. Review status: criteria provided, single submitter. Criteria: Ambry Variant Classification Scheme 2023. Collection method: clinical testing. Allele origin: germline.

Labcorp Genetics (formerly Invitae), Labcorp
Classification: Uncertain significance for Combined oxidative phosphorylation defect type 17. Last evaluated: 2021-11-19. Review status: criteria provided, single submitter. Criteria: Invitae Variant Classification Sherloc (09022015). Collection method: clinical testing. Allele origin: germline.
Comment: This sequence change replaces glutamine, which is neutral and polar, with leucine, which is neutral and non-polar, at codon 809 of the ELAC2 protein (p.Gln809Leu). This variant is present in population databases (no rsID available, gnomAD 0.003%). This variant has not been reported in the literature in individuals affected with ELAC2-related conditions. Algorithms developed to predict the effect of missense changes on protein structure and function output the following: SIFT: "Tolerated"; PolyPhen-2: "Benign"; Align-GVGD: "Class C0". The leucine amino acid residue is found in multiple mammalian species, which suggests that this missense change does not adversely affect protein function. In summary, the available evidence is currently insufficient to determine the role of this variant in disease. Therefore, it has been classified as a Variant of Uncertain Significance.

NM_018127.7(ELAC2):c.2426A>T (p.Gln809Leu)

Gene: ELAC2 (elaC ribonuclease Z 2; minus strand). Cytogenetic location: 17p12.
Variant type: single nucleotide variant.
Coding change: c.2426A>T on transcript NM_018127.7 (MANE Select); coding-DNA position 2426, A replaced by T.
Protein change: p.Gln809Leu; replaces glutamine 809 with leucine.
Molecular consequence: missense variant.
Genome position (GRCh38, 1-based): chr17:12,992,873, T>A on the plus strand (A>T on the coding strand, the complement: ELAC2 is on the minus strand). VCF-style: chr17-12992873-T-A. GRCh37 (hg19) VCF-style: chr17-12896190-T-A.
Other names: c.2306A>T, p.Gln769Leu (NM_001165962.2); c.2423A>T, p.Gln808Leu (NM_173717.2); c.2426A>T (NM_018127.6); short protein forms Q769L, Q808L, Q809L.
Identifiers: ClinVar variation 1447336 (VCV001447336.4), dbSNP rs922510869, ClinGen allele CA288074940.